The following is an entry in ClinVar:

NM_058216.3(RAD51C):c.838-17A>G

Gene: RAD51C (RAD51 paralog C; plus strand). Cytogenetic location: 17q22.
Variant type: single nucleotide variant.
Coding change: c.838-17A>G on transcript NM_058216.3 (MANE Select); 17 bases into the intron before coding-DNA position 838, A replaced by G.
Molecular consequence: intron variant.
Genome position (GRCh38, 1-based): chr17:58,720,729, A>G. VCF-style: chr17-58720729-A-G. GRCh37 (hg19) VCF-style: chr17-56798090-A-G.
Identifiers: ClinVar variation 3904518 (VCV003904518.1).
Genomic context (GRCh38, chr17:58,720,729, plus strand): 5'-CACAATCTTGGCCAGACTGGTCTACTTGATAATTTTCAAAGAGACTCACCTAATTTTCTT[A>G]CATTTTGTTTTTGTAGGTAATTTTAACCAATCAGATGACAACAAAGATTGATAGAAATCA-3'

ClinVar aggregate classification (germline): Likely benign (1 of 4 stars; one submission).

Conditions:
Breast-ovarian cancer, familial, susceptibility to, 3. Also called: RAD51C-Related Breast/Ovarian Cancer. Identifiers: Orphanet 145, MedGen C3150659, MONDO:0013253, OMIM 613399.

Submission:

Myriad Genetics, Inc.
Classification: Likely benign for Breast-ovarian cancer, familial, susceptibility to, 3. Last evaluated: 2025-02-19. Review status: criteria provided, single submitter. Criteria: Myriad Autosomal Dominant, Autosomal Recessive and X-Linked Classification Criteria (2023). Collection method: clinical testing. Allele origin: unknown.
Comment: This variant is considered likely benign. This variant is intronic and is not expected to impact mRNA splicing.